The following is an entry in ClinVar:

NM_182961.4(SYNE1):c.15451G>A (p.Val5151Met)

Gene: SYNE1 (spectrin repeat containing nuclear envelope protein 1; minus strand). Cytogenetic location: 6q25.2.
Variant type: single nucleotide variant.
Coding change: c.15451G>A on transcript NM_182961.4 (MANE Select); coding-DNA position 15451, G replaced by A.
Protein change: p.Val5151Met; replaces valine 5151 with methionine.
Molecular consequence: missense variant.
Genome position (GRCh38, 1-based): chr6:152,325,290, C>T on the plus strand (G>A on the coding strand, the complement: SYNE1 is on the minus strand). VCF-style: chr6-152325290-C-T. GRCh37 (hg19) VCF-style: chr6-152646425-C-T.
Other names: c.15238G>A, p.Val5080Met (NM_033071.5); short protein forms V5080M, V5151M.
Identifiers: ClinVar variation 284630 (VCV000284630.40), dbSNP rs199996504, ClinGen allele CA4055773.
Genomic context (GRCh38, chr6:152,325,290, plus strand): 5'-TCTCCAGTTGTGAAGCTTTTTCCTCAAGGGCCACAATTTTCTCATGGAAAGAGTTAACCA[C>T]TGACACTAAAGCCTAGGGTTGGGGGTGGAGGACGGAAGAGAGGAGACAAGGGAGAGATCA-3'
Protein context (NP_892006.3, residues 5141-5161): KLSEHKALVS[Val5151Met]VNSFHEKIVA

ClinVar aggregate classification (germline): Benign/Likely benign. Review status: criteria provided, multiple submitters, no conflicts (2 of 4 stars). 5 submissions from 5 submitters: Benign (1); Likely benign (3). 1 of the submissions does not count toward it. Last evaluated 2025-12-25.

Conditions:
SYNE1-related disorder. Also called: SYNE1-related disease; SYNE1-related condition; SYNE1-related disorders.
Emery-Dreifuss muscular dystrophy 4, autosomal dominant (EDMD4). Also called: EMERY-DREIFUSS MUSCULAR DYSTROPHY 4 WITH VARIABLE FEATURES. Identifiers: Orphanet 261, MedGen C2751807, MONDO:0013071, OMIM 612998.
Autosomal recessive ataxia, Beauce type. Also called: SYNE1 Deficiency; SYNE1-Related Autosomal Recessive Cerebellar Ataxia; ATAXIA, RECESSIVE, OF BEAUCE; Spinocerebellar ataxia, autosomal recessive 8. Identifiers: Orphanet 88644, MedGen C1853116, MONDO:0012549, OMIM 610743.

Allele frequency attached by ClinVar (database versions not stated): gnomAD 0.00004 and 0.00019; TOPMed 0.00009; 1000 Genomes Project 0.00040; 1000 Genomes Project 30x 0.00047; gnomAD exomes 0.00053 and 0.00100; ExAC 0.00104.
gnomAD v4.1: 810 of 1,614,166 alleles (0.05%); highest among the groups gnomAD compares: South Asian, 0.75%; 12 homozygotes.

Submissions (5):

Labcorp Genetics (formerly Invitae), Labcorp
Classification: Likely benign for Emery-Dreifuss muscular dystrophy 4, autosomal dominant; Autosomal recessive ataxia, Beauce type. Last evaluated: 2025-12-25. Review status: criteria provided, single submitter. Criteria: Invitae Variant Classification Sherloc (09022015). Collection method: clinical testing. Allele origin: germline.

CeGaT Center for Human Genetics Tuebingen
Classification: Likely benign. Last evaluated: 2024-11-01. Review status: criteria provided, single submitter. Criteria: CeGaT Center For Human Genetics Tuebingen Variant Classification Criteria Version 2. Collection method: clinical testing. Allele origin: germline. Affected: yes. Observed: 4 variant alleles.
Comment: SYNE1: BP4, BS2

Athena Diagnostics
Classification: Benign. Last evaluated: 2018-03-20. Review status: criteria provided, single submitter. Criteria: Athena Diagnostics criteria. Collection method: clinical testing. Allele origin: unknown.

Eurofins Ntd Llc (ga)
Classification: Likely benign. Last evaluated: 2017-04-10. Review status: criteria provided, single submitter. Criteria: EGL Classification Definitions 2015. Collection method: clinical testing. Allele origin: germline. Observed: 3 variant alleles, 3 heterozygotes.

PreventionGenetics, part of Exact Sciences
Classification: Benign for SYNE1-related condition. Last evaluated: 2019-12-10. Review status: no assertion criteria provided. Collection method: clinical testing. Allele origin: germline. Not counted in ClinVar's aggregate classification.
Comment: This variant is classified as benign based on ACMG/AMP sequence variant interpretation guidelines (Richards et al. 2015 PMID: 25741868, with internal and published modifications).